The following is an entry in ClinVar:

NM_024009.3(GJB3):c.*43C>A

Gene: GJB3 (gap junction protein beta 3; plus strand). Cytogenetic location: 1p34.3.
Variant type: single nucleotide variant.
Coding change: c.*43C>A on transcript NM_024009.3 (MANE Select); 43 bases downstream of the stop codon, C replaced by A.
Molecular consequence: 3 prime UTR variant.
Genome position (GRCh38, 1-based): chr1:34,785,618, C>A. VCF-style: chr1-34785618-C-A. GRCh37 (hg19) VCF-style: chr1-35251219-C-A.
Other names: c.*43C>A (NM_001005752.2).
Identifiers: ClinVar variation 297195 (VCV000297195.8), dbSNP rs41266429, ClinGen allele CA754927.

ClinVar aggregate classification (germline): Benign. Review status: criteria provided, multiple submitters, no conflicts (2 of 4 stars). 3 submissions from 3 submitters: Benign (3). Last evaluated 2018-08-20.

Conditions:
Erythrokeratodermia variabilis et progressiva 1 (EKVP1). Also called: ERYTHROKERATODERMIA FIGURATA, CONGENITAL FAMILIAL, IN PLAQUES; ERYTHROKERATODERMIA VARIABILIS WITH ERYTHEMA GYRATUM REPENS; ERYTHROKERATODERMIA, PROGRESSIVE SYMMETRIC. Identifiers: Orphanet 317, MedGen C4551486, MONDO:0033010, OMIM 133200.

Allele frequency attached by ClinVar (database versions not stated): 1000 Genomes Project 30x 0.08807; 1000 Genomes Project 0.08846; gnomAD 0.11288 and 0.11622; gnomAD exomes 0.11432; ExAC 0.11437; ESP Exome Variant Server 0.11823; TOPMed 0.11877.
gnomAD v4.1: 188,285 of 1,516,312 alleles (12%); highest among the groups gnomAD compares: Admixed American, 15%; 12,316 homozygotes.

Submissions (3):

GeneDx
Classification: Benign. Last evaluated: 2018-08-20. Review status: criteria provided, single submitter. Criteria: GeneDx Variant Classification Process June 2021. Collection method: clinical testing. Allele origin: germline. Affected: yes.

Illumina Laboratory Services, Illumina
Classification: Benign for Erythrokeratodermia variabilis et progressiva 1. Last evaluated: 2018-01-12. Review status: criteria provided, single submitter. Criteria: ICSL Variant Classification Criteria 13 December 2019. Collection method: clinical testing. Allele origin: germline.
Comment: This variant was observed in the ICSL laboratory as part of a predisposition screen in an ostensibly healthy population. It had not been previously curated by ICSL or reported in the Human Gene Mutation Database (HGMD: prior to June 1st, 2018), and was therefore a candidate for classification through an automated scoring system. Utilizing variant allele frequency, disease prevalence and penetrance estimates, and inheritance mode, an automated score was calculated to assess if this variant is too frequent to cause the disease. Based on the score and internal cut-off values, a variant classified as benign is not then subjected to further curation. The score for this variant resulted in a classification of benign for this disease.

Breakthrough Genomics
Classification: Benign. Review status: criteria provided, single submitter. Criteria: ACMG Guidelines, 2015. Collection method: not provided. Allele origin: germline. Inheritance: Autosomal dominant inheritance. Affected: yes.